The following is an entry in ClinVar:

NM_001385012.1(NBEA):c.7348G>A (p.Gly2450Arg)

Gene: NBEA (neurobeachin; plus strand). Cytogenetic location: 13q13.3.
Variant type: single nucleotide variant.
Coding change: c.7348G>A on transcript NM_001385012.1 (MANE Select); coding-DNA position 7348, G replaced by A.
Protein change: p.Gly2450Arg; replaces glycine 2450 with arginine.
Molecular consequence: missense variant.
Genome position (GRCh38, 1-based): chr13:35,606,477, G>A. VCF-style: chr13-35606477-G-A. GRCh37 (hg19) VCF-style: chr13-36180614-G-A.
Other names: c.727G>A, p.Gly243Arg (NM_001204197.3); c.7339G>A, p.Gly2447Arg (NM_001379245.1); c.7348G>A, p.Gly2450Arg (NM_015678.5); short protein forms G243R, G2447R, G2450R.
Identifiers: ClinVar variation 3341333 (VCV003341333.1).

ClinVar aggregate classification (germline): Uncertain significance (1 of 4 stars; one submission).

Conditions:
Neurodevelopmental disorder with or without early-onset generalized epilepsy. Identifiers: MedGen C5436914, MONDO:0030930, OMIM 619157.

gnomAD v4.1: 4 of 1,596,626 alleles (0.00025%); highest among the groups gnomAD compares: South Asian, 0.0023%; no homozygotes.

Submission:

Neuberg Centre For Genomic Medicine, NCGM
Classification: Uncertain significance for Neurodevelopmental disorder with or without early-onset generalized epilepsy. Last evaluated: 2023-05-20. Review status: criteria provided, single submitter. Criteria: ACMG Guidelines, 2015. Collection method: clinical testing. Allele origin: germline. Inheritance: Autosomal dominant inheritance. Affected: yes.
Comment: The missense variant c.7348G>A (p.Gly2450Arg) in the NBEA gene has not been reported previously as a pathogenic variant nor as a benign variant, to our knowledge. This variant is reported with the allele frequency (0.0004%) in the gnomAD Exomes. The amino acid Glycine at position 2450 is changed to an Arginine changing protein sequence and it might alter its composition and physico-chemical properties. Computational evidence (Polyphen - Benign, SIFT - Tolerated and MutationTaster - Disease causing) predicts conflicting evidence on protein structure and function for this variant. The amino acid change p.Gly2450Arg in NBEA is predicted as conserved by GERP++ and PhyloP across 100 vertebrates. For these reasons, this variant has been classified as Uncertain Significance.